The following is an entry in ClinVar:

ClinVar aggregate classification (germline): Uncertain significance. Review status: criteria provided, multiple submitters, no conflicts (2 of 4 stars). 2 submissions from 2 submitters: Uncertain significance (2). Last evaluated 2023-03-06.

Conditions:
Chuvash polycythemia. Also called: POLYCYTHEMIA, VHL-DEPENDENT. Identifiers: Orphanet 238557, MedGen C1837915, MONDO:0009892, OMIM 263400.
Von Hippel-Lindau syndrome (VHLS). Also called: Von Hippel-Lindau; VHL syndrome; von Hippel–Lindau syndrome. Identifiers: Orphanet 892, MedGen C0019562, MONDO:0008667, OMIM 193300. Disease mechanism: loss of function.
VHL-related disorder. Also called: VHL-related condition.

Allele frequency attached by ClinVar (database versions not stated): TOPMed 0.00001.

Submissions (2):

PreventionGenetics, part of Exact Sciences
Classification: Uncertain significance for VHL-related condition. Last evaluated: 2023-03-06. Review status: criteria provided, single submitter. Criteria: ACMG Guidelines, 2015. Collection method: clinical testing. Allele origin: germline.
Comment: The VHL c.461G>T variant is predicted to result in the amino acid substitution p.Arg154Ile. This variant corresponds to a deep intronic position in the primary transcript for this gene (NM_000551.3:c.340+696G>T). To our knowledge, this variant has not been reported in the literature or in a large population database, indicating this variant is rare. However, this variant falls within a cryptic exon in VHL, where other nearby variants have been reported in families with erythocytosis (Lenglet et al. 2018. PubMed ID: 29891534). It is interpreted as uncertain significance in ClinVar. At this time, the clinical significance of this variant is uncertain due to the absence of conclusive functional and genetic evidence.

Labcorp Genetics (formerly Invitae), Labcorp
Classification: Uncertain significance for Von Hippel-Lindau syndrome; Chuvash polycythemia. Last evaluated: 2021-05-13. Review status: criteria provided, single submitter. Criteria: Invitae Variant Classification Sherloc (09022015). Collection method: clinical testing. Allele origin: germline.
Comment: In summary, the available evidence is currently insufficient to determine the role of this variant in disease. Therefore, it has been classified as a Variant of Uncertain Significance. Experimental studies and prediction algorithms are not available or were not evaluated, and the functional significance of this variant is currently unknown. This variant has not been reported in the literature in individuals with VHL-related conditions. The frequency data for this variant in the population databases is considered unreliable, as metrics indicate insufficient coverage at this position in the ExAC database. This sequence change falls in intron 1 of the VHL gene. It is not expected to change the encoded amino acid sequence of the VHL protein. However, this sequence change falls within a cryptic exon in the VHL gene, known as exon E1’, which is naturally expressed at low levels in several human tissues (PMID: 29891534).

Literature cited by the submitters: PubMed 29891534 (cited by Labcorp Genetics (formerly Invitae), Labcorp).

NM_000551.4(VHL):c.340+696G>T

Genes: VHL (von Hippel-Lindau tumor suppressor; plus strand), LOC107303340 (3p25 von Hippel-Lindau tumor suppressor, E3 ubiquitin protein ligase Alu-mediated recombination region; plus strand). Cytogenetic location: 3p25.3.
Variant type: single nucleotide variant.
Coding change: c.340+696G>T on transcript NM_000551.4 (MANE Select); 696 bases into the intron after coding-DNA position 340, G replaced by T.
Molecular consequence: intron variant. On other transcripts: missense variant (1).
Genome position (GRCh38, 1-based): chr3:10,142,883, G>T. VCF-style: chr3-10142883-G-T. GRCh37 (hg19) VCF-style: chr3-10184567-G-T.
Other names: c.461G>T (NM_001354723.1); c.461G>T, p.Arg154Ile (NM_001354723.2); c.340+696G>T (NM_198156.3); short protein forms R154I.
Identifiers: ClinVar variation 840899 (VCV000840899.11), dbSNP rs1353527753, ClinGen allele CA896160278.